The following is an entry in ClinVar:

ClinVar aggregate classification (germline): Pathogenic (1 of 4 stars; one submission).

Submission:

Labcorp Genetics (formerly Invitae), Labcorp
Classification: Pathogenic. Last evaluated: 2023-02-04. Review status: criteria provided, single submitter. Criteria: Invitae Variant Classification Sherloc (09022015). Collection method: clinical testing. Allele origin: germline.
Comment: For these reasons, this variant has been classified as Pathogenic. This variant disrupts a region of the KMT2E protein in which other variant(s) (p.Pro1806Leu) have been determined to be pathogenic (PMID: 33681112). This suggests that this is a clinically significant region of the protein, and that variants that disrupt it are likely to be disease-causing. This frameshift has been observed in individual(s) with clinical features of KMT2E-related neurodevelopmental disorder (Invitae). This variant is not present in population databases (gnomAD no frequency). This sequence change results in a frameshift in the KMT2E gene (p.Pro1629Serfs*240). While this is not anticipated to result in nonsense mediated decay, it is expected to disrupt the last 230 amino acid(s) of the KMT2E protein and extend the protein by 9 additional amino acid residues.

Literature cited by the submitters: PubMed 33681112.

NM_182931.3(KMT2E):c.4884dup (p.Pro1629fs)

Gene: KMT2E (lysine methyltransferase 2E (inactive); plus strand). Cytogenetic location: 7q22.3.
Variant type: Duplication.
Coding change: c.4884dup on transcript NM_182931.3 (MANE Select); coding-DNA position 4884, one base duplicated (T; older notation c.4884dupT).
Protein change: p.Pro1629fs; shifts the reading frame from proline 1629.
Molecular consequence: frameshift variant.
Genome position (GRCh38, 1-based): chr7:105,112,640, T duplicated. VCF-style (leftmost placement, unchanged base first): chr7-105112639-C-CT. GRCh37 (hg19) VCF-style: chr7-104753086-C-CT.
Other names: c.4758dup, p.Pro1587fs (NM_001410908.1); c.4884dup, p.Pro1629fs (NM_018682.4); short protein forms P1629fs, P1587fs.
Identifiers: ClinVar variation 2834675 (VCV002834675.3), dbSNP rs2536526427, ClinGen allele CA2739277816.
Genomic context (GRCh38, chr7:105,112,639, plus strand): 5'-ATTTTTTGCCCTCTCAGAACCCTACCATTCACCATCAAACTGCTGCTGCCGTAGTCCCCC[C>CT]TCCTCCTCCACCACCACCTGCTCCAGGACCGCACCTTGTACAACAGCCGAATTCCCATCA-3'